The following is an entry in ClinVar:

NM_001267550.2(TTN):c.44282-6G>A

Gene: TTN (titin; minus strand). Cytogenetic location: 2q31.2.
Variant type: single nucleotide variant.
Coding change: c.44282-6G>A on transcript NM_001267550.2 (MANE Select); 6 bases into the intron before coding-DNA position 44282, G replaced by A.
Molecular consequence: intron variant.
Genome position (GRCh38, 1-based): chr2:178,629,449, C>T on the plus strand (G>A on the coding strand, the complement: TTN is on the minus strand). VCF-style: chr2-178629449-C-T. GRCh37 (hg19) VCF-style: chr2-179494176-C-T.
Other names: c.17087-6G>A (NM_003319.4); c.17663-6G>A (NM_133437.4); c.17462-6G>A (NM_133432.3); c.36578-6G>A (NM_133378.4); c.39359-6G>A (NM_001256850.1).
Identifiers: ClinVar variation 229434 (VCV000229434.20), dbSNP rs372166634, ClinGen allele CA1995683.

ClinVar aggregate classification (germline): Conflicting classifications of pathogenicity. Review status: criteria provided, conflicting classifications (1 of 4 stars). 5 submissions from 5 submitters: Uncertain significance (1); Likely benign (2). 2 of the submissions do not count toward it. Last evaluated 2025-11-10.

Conditions:
Autosomal recessive limb-girdle muscular dystrophy type 2J (LGMDR10). Also called: Limb-girdle muscular dystrophy, type 2J; MUSCULAR DYSTROPHY, LIMB-GIRDLE, AUTOSOMAL RECESSIVE 10. Identifiers: Orphanet 140922, MedGen C1837342, MONDO:0012127, OMIM 608807.
Dilated cardiomyopathy 1G (CMD1G). Identifiers: Orphanet 154, MedGen C1858763, MONDO:0011400, OMIM 604145.

Allele frequency attached by ClinVar (database versions not stated): gnomAD exomes 0.00003 and 0.00010; ExAC 0.00005; gnomAD 0.00013 and 0.00014; 1000 Genomes Project 30x 0.00016; TOPMed 0.00016; ESP Exome Variant Server 0.00017.
gnomAD v4.1: 58 of 1,612,544 alleles (0.0036%); highest among the groups gnomAD compares: African/African-American, 0.044%; no homozygotes.

Submissions (5):

Labcorp Genetics (formerly Invitae), Labcorp
Classification: Likely benign for Dilated cardiomyopathy 1G; Autosomal recessive limb-girdle muscular dystrophy type 2J. Last evaluated: 2025-11-10. Review status: criteria provided, single submitter. Criteria: Invitae Variant Classification Sherloc (09022015). Collection method: clinical testing. Allele origin: germline.

GeneDx
Classification: Likely benign. Last evaluated: 2021-03-10. Review status: criteria provided, single submitter. Criteria: GeneDx Variant Classification Process June 2021. Collection method: clinical testing. Allele origin: germline. Affected: yes.

Laboratory for Molecular Medicine, Mass General Brigham Personalized Medicine
Classification: Uncertain significance. Last evaluated: 2015-01-28. Review status: criteria provided, single submitter. Criteria: LMM Criteria. Collection method: clinical testing. Allele origin: germline. Observed: 1 variant allele.
Comment: The c.36578-6G>A variant in TTN has not been previously reported in individuals with cardiomyopathy, but has been identified in 4/9802 African chromosomes by th e Exome Aggregation Consortium (ExAC; dbSNP rs37 2166634). In addition, this variant is located in the 3' splice region and compu tational tools do not suggest an impact to splicing. However, this information i s not predictive enough to rule out pathogenicity. In summary, the clinical sign ificance of the c.36578-6G>A variant is uncertain.

Clinical Genetics, Academic Medical Center
Classification: Benign. Review status: no assertion criteria provided. Collection method: clinical testing. Allele origin: germline. Affected: yes. Study: VKGL Data-share Consensus. Not counted in ClinVar's aggregate classification.

Joint Genome Diagnostic Labs from Nijmegen and Maastricht, Radboudumc and MUMC+
Classification: Likely benign. Review status: no assertion criteria provided. Collection method: clinical testing. Allele origin: germline. Affected: yes. Study: VKGL Data-share Consensus. Not counted in ClinVar's aggregate classification.